The following is an entry in ClinVar:

NM_004974.4(KCNA2):c.474C>G (p.Ser158Arg)

Gene: KCNA2 (potassium voltage-gated channel subfamily A member 2; minus strand). Cytogenetic location: 1p13.3.
Variant type: single nucleotide variant.
Coding change: c.474C>G on transcript NM_004974.4 (MANE Select); coding-DNA position 474, C replaced by G.
Protein change: p.Ser158Arg; replaces serine 158 with arginine.
Molecular consequence: missense variant.
Genome position (GRCh38, 1-based): chr1:110,604,309, G>C on the plus strand (C>G on the coding strand, the complement: KCNA2 is on the minus strand). VCF-style: chr1-110604309-G-C. GRCh37 (hg19) VCF-style: chr1-111146931-G-C.
Other names: c.474C>G, p.Ser158Arg (NM_001204269.2); short protein forms S158R.
Identifiers: ClinVar variation 4529950 (VCV004529950.1).

ClinVar aggregate classification (germline): Uncertain significance (1 of 4 stars; one submission).

Submission:

GeneDx
Classification: Uncertain significance. Last evaluated: 2025-05-14. Review status: criteria provided, single submitter. Criteria: GeneDx Variant Classification Process June 2021. Collection method: clinical testing. Allele origin: germline. Affected: yes.
Comment: Not observed at significant frequency in large population cohorts (gnomAD); In silico analysis supports that this missense variant has a deleterious effect on protein structure/function; Has not been previously published as pathogenic or benign to our knowledge